The following is an entry in ClinVar:

ClinVar aggregate classification (germline): Uncertain significance (1 of 4 stars; one submission).

Submission:

Labcorp Genetics (formerly Invitae), Labcorp
Classification: Uncertain significance. Last evaluated: 2022-08-23. Review status: criteria provided, single submitter. Criteria: Invitae Variant Classification Sherloc (09022015). Collection method: clinical testing. Allele origin: germline.
Comment: This sequence change replaces histidine, which is basic and polar, with proline, which is neutral and non-polar, at codon 1498 of the LAMC3 protein (p.His1498Pro). This variant is not present in population databases (gnomAD no frequency). This variant has not been reported in the literature in individuals affected with LAMC3-related conditions. ClinVar contains an entry for this variant (Variation ID: 1369195). Algorithms developed to predict the effect of missense changes on protein structure and function (SIFT, PolyPhen-2, Align-GVGD) all suggest that this variant is likely to be tolerated. In summary, the available evidence is currently insufficient to determine the role of this variant in disease. Therefore, it has been classified as a Variant of Uncertain Significance.

NM_006059.4(LAMC3):c.4493A>C (p.His1498Pro)

Gene: LAMC3 (laminin subunit gamma 3; plus strand). Cytogenetic location: 9q34.12.
Variant type: single nucleotide variant.
Coding change: c.4493A>C on transcript NM_006059.4 (MANE Select); coding-DNA position 4493, A replaced by C.
Protein change: p.His1498Pro; replaces histidine 1498 with proline.
Molecular consequence: missense variant.
Genome position (GRCh38, 1-based): chr9:131,091,552, A>C. VCF-style: chr9-131091552-A-C. GRCh37 (hg19) VCF-style: chr9-133966939-A-C.
Other names: short protein forms H1498P.
Identifiers: ClinVar variation 1369195 (VCV001369195.8), dbSNP rs2133357954, ClinGen allele CA375266796.